The following is an entry in ClinVar:

NM_145698.5(ACBD5):c.567C>T (p.Ala189=)

Gene: ACBD5 (acyl-CoA binding domain containing 5; minus strand). Cytogenetic location: 10p12.1.
Variant type: single nucleotide variant.
Coding change: c.567C>T on transcript NM_145698.5 (MANE Select); coding-DNA position 567, C replaced by T.
Protein change: p.Ala189=; no amino-acid change (alanine 189 retained).
Molecular consequence: synonymous variant.
Genome position (GRCh38, 1-based): chr10:27,219,781, G>A on the plus strand (C>T on the coding strand, the complement: ACBD5 is on the minus strand). VCF-style: chr10-27219781-G-A. GRCh37 (hg19) VCF-style: chr10-27508710-G-A.
Other names: c.462C>T, p.Ala154= (NM_001042473.4, NM_001352577.2, NM_001352578.2 and 2 more transcripts); c.561C>T, p.Ala187= (NM_001271512.3, NM_001352587.1); c.240C>T, p.Ala80= (NM_001301251.2, NM_001301252.2, NM_001301253.2 and 3 more transcripts); c.621C>T, p.Ala207= (NM_001352568.1); c.600C>T, p.Ala200= (NM_001352569.1, NM_001352581.1); c.567C>T, p.Ala189= (NM_001352570.1, NM_001352588.1); c.594C>T, p.Ala198= (NM_001352571.1, NM_001352586.1); c.588C>T, p.Ala196= (NM_001352572.1); and 5 more.
Identifiers: ClinVar variation 1086260 (VCV001086260.11), dbSNP rs779780388, ClinGen allele CA5450891.

ClinVar aggregate classification (germline): Likely benign. Review status: criteria provided, multiple submitters, no conflicts (2 of 4 stars). 2 submissions from 2 submitters: Likely benign (2). Last evaluated 2025-12-23.

Conditions:
ACBD5-related disorder. Also called: ACBD5-related condition.

Allele frequency attached by ClinVar (database versions not stated): ExAC 0.00001; gnomAD 0.00001.
gnomAD v4.1: 6 of 1,613,750 alleles (0.00037%); highest among the groups gnomAD compares: South Asian, 0.0011%; no homozygotes.

Submissions (2):

PreventionGenetics, part of Exact Sciences
Classification: Likely benign for ACBD5-related condition. Last evaluated: 2025-12-23. Review status: criteria provided, single submitter. Criteria: ACMG Guidelines, 2015. Collection method: clinical testing. Allele origin: germline.
Comment: This variant is classified as likely benign based on ACMG/AMP sequence variant interpretation guidelines (Richards et al. 2015 PMID: 25741868, with internal and published modifications).

Labcorp Genetics (formerly Invitae), Labcorp
Classification: Likely benign. Last evaluated: 2023-08-04. Review status: criteria provided, single submitter. Criteria: Invitae Variant Classification Sherloc (09022015). Collection method: clinical testing. Allele origin: germline.